The following is an entry in ClinVar:

NM_000047.3(ARSL):c.1525G>A (p.Asp509Asn)

Gene: ARSL (arylsulfatase L; minus strand). Cytogenetic location: Xp22.33.
Variant type: single nucleotide variant.
Coding change: c.1525G>A on transcript NM_000047.3 (MANE Select); coding-DNA position 1525, G replaced by A.
Protein change: p.Asp509Asn; replaces aspartic acid 509 with asparagine.
Molecular consequence: missense variant.
Genome position (GRCh38, 1-based): chrX:2,935,077, C>T on the plus strand (G>A on the coding strand, the complement: ARSL is on the minus strand). VCF-style: chrX-2935077-C-T. GRCh37 (hg19) VCF-style: chrX-2853118-C-T.
Other names: c.1600G>A, p.Asp534Asn (NM_001282628.2, NM_001369080.1); c.1363G>A, p.Asp455Asn (NM_001282631.2); c.1552G>A, p.Asp518Asn (NM_001369079.1); short protein forms D455N, D509N, D518N, D534N.
Identifiers: ClinVar variation 1683179 (VCV001683179.7), dbSNP rs772908873, ClinGen allele CA10337992.

ClinVar aggregate classification (germline): Uncertain significance (1 of 4 stars; one submission).

Conditions:
Chondrodysplasia punctata, brachytelephalangic, autosomal. Also called: BRACHYTELEPHALANGIC CHONDRODYSPLASIA PUNCTATA. Identifiers: MedGen C1844853, MONDO:0011238, OMIM 602497.

Allele frequency attached by ClinVar (database versions not stated): gnomAD exomes 0.00003; ExAC 0.00001; gnomAD 0.00001; TOPMed 0.00003.

Submission:

Labcorp Genetics (formerly Invitae), Labcorp
Classification: Uncertain significance for Chondrodysplasia punctata, brachytelephalangic, autosomal. Last evaluated: 2024-10-24. Review status: criteria provided, single submitter. Criteria: Invitae Variant Classification Sherloc (09022015). Collection method: clinical testing. Allele origin: germline.
Comment: This sequence change replaces aspartic acid, which is acidic and polar, with asparagine, which is neutral and polar, at codon 509 of the ARSE protein (p.Asp509Asn). This variant is present in population databases (rs772908873, gnomAD 0.004%). This variant has not been reported in the literature in individuals affected with ARSE-related conditions. ClinVar contains an entry for this variant (Variation ID: 1683179). Invitae Evidence Modeling of protein sequence and biophysical properties (such as structural, functional, and spatial information, amino acid conservation, physicochemical variation, residue mobility, and thermodynamic stability) indicates that this missense variant is not expected to disrupt ARSE protein function with a negative predictive value of 80%. In summary, the available evidence is currently insufficient to determine the role of this variant in disease. Therefore, it has been classified as a Variant of Uncertain Significance.